The following is an entry in ClinVar:

NM_001283009.2(RTEL1):c.1960C>A (p.Pro654Thr)

Genes: RTEL1 (regulator of telomere elongation helicase 1; plus strand), RTEL1-TNFRSF6B (RTEL1-TNFRSF6B readthrough (NMD candidate); plus strand). Cytogenetic location: 20q13.33.
Variant type: single nucleotide variant.
Coding change: c.1960C>A on transcript NM_001283009.2 (MANE Select); coding-DNA position 1960, C replaced by A.
Protein change: p.Pro654Thr; replaces proline 654 with threonine.
Molecular consequence: missense variant. On other transcripts: non-coding transcript variant (1).
Genome position (GRCh38, 1-based): chr20:63,689,583, C>A. VCF-style: chr20-63689583-C-A. GRCh37 (hg19) VCF-style: chr20-62320936-C-A.
Other names: p.Pro654Thr; c.1291C>A, p.Pro431Thr (NM_001283010.1); c.1960C>A, p.Pro654Thr (NM_016434.4); c.2032C>A, p.Pro678Thr (NM_032957.5); short protein forms P431T, P654T, P678T.
Identifiers: ClinVar variation 1695940 (VCV001695940.3), dbSNP rs1469663119, ClinGen allele CA409678826.

ClinVar aggregate classification (germline): Uncertain significance. Review status: criteria provided, multiple submitters, no conflicts (2 of 4 stars). 3 submissions from 3 submitters: Uncertain significance (2). 1 of the submissions does not count toward it. Last evaluated 2025-01-24.

Conditions:
Pulmonary fibrosis. Identifiers: MedGen C0034069, MONDO:0002771, HP:0002206.
Inborn genetic diseases. Identifiers: MedGen C0950123, MeSH D030342.

Allele frequency attached by ClinVar (database versions not stated): gnomAD exomes below 0.00001; TOPMed below 0.00001; gnomAD 0.00001.
gnomAD v4.1: 3 of 1,612,220 alleles (0.00019%); highest among the groups gnomAD compares: South Asian, 0.0011%; no homozygotes.

Submissions (3):

Ambry Genetics
Classification: Uncertain significance for Inborn genetic diseases. Last evaluated: 2025-01-24. Review status: criteria provided, single submitter. Criteria: Ambry Variant Classification Scheme 2023. Collection method: clinical testing. Allele origin: germline.
Comment: The p.P654T variant (also known as c.1960C>A), located in coding exon 22 of the RTEL1 gene, results from a C to A substitution at nucleotide position 1960. The proline at codon 654 is replaced by threonine, an amino acid with highly similar properties. This amino acid position is conserved. In addition, this alteration is predicted to be deleterious by in silico analysis. Based on the available evidence, the clinical significance of this variant remains unclear.

Blueprint Genetics
Classification: Uncertain significance. Last evaluated: 2022-01-24. Review status: criteria provided, single submitter. Criteria: ACMG Guidelines, 2015. Collection method: clinical testing. Allele origin: germline.

Garcia Pulmonary Genetics Research Laboratory, Columbia University Irving Medical Center
Classification: Likely risk allele for Pulmonary fibrosis. Last evaluated: 2022-06-09. Review status: no assertion criteria provided. Collection method: research. Allele origin: germline. Affected: yes. Not counted in ClinVar's aggregate classification.